The following is an entry in ClinVar:

ClinVar aggregate classification (germline): Uncertain significance (1 of 4 stars; one submission).

Allele frequency attached by ClinVar (database versions not stated): ESP Exome Variant Server 0.00008.
gnomAD v4.1: 61 of 1,613,284 alleles (0.0038%); highest among the groups gnomAD compares: Non-Finnish European, 0.0047%; no homozygotes.

Submission:

Labcorp Genetics (formerly Invitae), Labcorp
Classification: Uncertain significance. Last evaluated: 2023-12-10. Review status: criteria provided, single submitter. Criteria: Invitae Variant Classification Sherloc (09022015). Collection method: clinical testing. Allele origin: germline.
Comment: This sequence change replaces glycine, which is neutral and non-polar, with valine, which is neutral and non-polar, at codon 154 of the SUCO protein (p.Gly154Val). This variant is present in population databases (rs145242307, gnomAD 0.004%). This variant has not been reported in the literature in individuals affected with SUCO-related conditions. An algorithm developed to predict the effect of missense changes on protein structure and function (PolyPhen-2) suggests that this variant is likely to be tolerated. In summary, the available evidence is currently insufficient to determine the role of this variant in disease. Therefore, it has been classified as a Variant of Uncertain Significance.

NM_014283.5(SUCO):c.461G>T (p.Gly154Val)

Gene: SUCO (SUN domain containing ossification factor; plus strand). Cytogenetic location: 1q24.3.
Variant type: single nucleotide variant.
Coding change: c.461G>T on transcript NM_014283.5 (MANE Select); coding-DNA position 461, G replaced by T.
Protein change: p.Gly154Val; replaces glycine 154 with valine.
Molecular consequence: missense variant. On other transcripts: 5 prime UTR variant (1).
Genome position (GRCh38, 1-based): chr1:172,557,297, G>T. VCF-style: chr1-172557297-G-T. GRCh37 (hg19) VCF-style: chr1-172526437-G-T.
Other names: c.350G>T, p.Gly117Val (NM_001282750.2); c.-1069G>T (NM_001282751.2); c.935G>T, p.Gly312Val (NM_016227.4); short protein forms G117V, G154V, G312V.
Identifiers: ClinVar variation 2877903 (VCV002877903.3), dbSNP rs145242307, ClinGen allele CA32709030.